The following is an entry in ClinVar:

ClinVar aggregate classification (germline): Likely pathogenic (1 of 4 stars; one submission).

Submission:

GeneDx
Classification: Likely pathogenic. Last evaluated: 2015-12-23. Review status: criteria provided, single submitter. Criteria: GeneDx Variant Classification (06012015). Collection method: clinical testing. Allele origin: germline. Affected: yes.
Comment: This duplication of one nucleotide in CHEK2 is denoted c.1209dupG at the cDNA level and p.Tyr404ValfsX2 (Y404VfsX2) at the protein level. The normal sequence, with the base that is duplicated in braces, is CTGG[G]TATA. The duplication causes a frameshift, which changes a Tyrosine to a Valine at codon 404, and creates a premature stop codon at position 2 of the new reading frame. Although this variant has not, to our knowledge, been reported in the literature, it is predicted to cause loss of normal protein function through either protein truncation or nonsense-mediated mRNA decay. Based on the currently available information, we consider this duplication to be a likely pathogenic variant.

NM_007194.4(CHEK2):c.1209dup (p.Tyr404fs)

Gene: CHEK2 (checkpoint kinase 2; minus strand). Cytogenetic location: 22q12.1.
Variant type: Duplication.
Coding change: c.1209dup on transcript NM_007194.4 (MANE Select); coding-DNA position 1209, one base duplicated (G; older notation c.1209dupG).
Protein change: p.Tyr404fs; shifts the reading frame from tyrosine 404.
Molecular consequence: frameshift variant.
Genome position (GRCh38, 1-based): chr22:28,695,760, C duplicated on the plus strand (G on the coding strand, the reverse complement: CHEK2 is on the minus strand); the first of 3 consecutive C bases (chr22:28,695,760-28,695,762); duplicating any one gives the same sequence. VCF-style (leftmost placement, unchanged base first): chr22-28695759-A-AC. GRCh37 (hg19) VCF-style: chr22-29091747-A-AC.
Other names: c.1336dup, p.Tyr447Valfs (NM_001005735.3); c.544dup, p.Tyr183Valfs (NM_001257387.3); c.1006dup, p.Tyr337Valfs (NM_001349956.3); c.1120dup, p.Tyr375Valfs (NM_145862.3); short protein forms Y183fs, Y337fs, Y447fs, Y404fs, Y375fs.
Identifiers: ClinVar variation 280207 (VCV000280207.2), dbSNP rs886041455, ClinGen allele CA10603388.
Genomic context (GRCh38, chr22:28,695,759, plus strand): 5'-ATATTTCTTACCAGATAAAAAGAATAACTCCTAAACTCCAGCAGTCCACAGCACGGTTAT[A>AC]CCCAGCAGTCCCAACAGAAACAAGAACTTCAGGCGCCAAGTAGGTGGGGGTTCCACATAA-3'